The following is an entry in ClinVar:

NM_001142800.2(EYS):c.1471G>A (p.Glu491Lys)

Gene: EYS (EGF-like photoreceptor maintenance factor; minus strand). Cytogenetic location: 6q12.
Variant type: single nucleotide variant.
Coding change: c.1471G>A on transcript NM_001142800.2 (MANE Select); coding-DNA position 1471, G replaced by A.
Protein change: p.Glu491Lys; replaces glutamic acid 491 with lysine.
Molecular consequence: missense variant.
Genome position (GRCh38, 1-based): chr6:65,344,166, C>T on the plus strand (G>A on the coding strand, the complement: EYS is on the minus strand). VCF-style: chr6-65344166-C-T. GRCh37 (hg19) VCF-style: chr6-66054059-C-T.
Other names: c.1471G>A (NM_001142800.1); c.1471G>A, p.Glu491Lys (NM_001142801.2, NM_001292009.2, NM_198283.2); short protein forms E491K.
Identifiers: ClinVar variation 2161072 (VCV002161072.3), dbSNP rs151187049, ClinGen allele CA3877723.

ClinVar aggregate classification (germline): Uncertain significance. Review status: criteria provided, multiple submitters, no conflicts (2 of 4 stars). 3 submissions from 3 submitters: Uncertain significance (3). Last evaluated 2025-01-23.

Conditions:
Inborn genetic diseases. Identifiers: MedGen C0950123, MeSH D030342.

Allele frequency attached by ClinVar (database versions not stated): ESP Exome Variant Server 0.00015.
gnomAD v4.1: 47 of 1,608,722 alleles (0.0029%); highest among the groups gnomAD compares: South Asian, 0.0088%; no homozygotes.

Submissions (3):

Ambry Genetics
Classification: Uncertain significance for Inborn genetic diseases. Last evaluated: 2025-01-23. Review status: criteria provided, single submitter. Criteria: Ambry Variant Classification Scheme 2023. Collection method: clinical testing. Allele origin: germline.

Labcorp Genetics (formerly Invitae), Labcorp
Classification: Uncertain significance. Last evaluated: 2021-08-28. Review status: criteria provided, single submitter. Criteria: Invitae Variant Classification Sherloc (09022015). Collection method: clinical testing. Allele origin: germline.
Comment: This sequence change replaces glutamic acid with lysine at codon 491 of the EYS protein (p.Glu491Lys). The glutamic acid residue is highly conserved and there is a small physicochemical difference between glutamic acid and lysine. This variant is present in population databases (rs151187049, ExAC 0.03%). This variant has not been reported in the literature in individuals affected with EYS-related conditions. Algorithms developed to predict the effect of missense changes on protein structure and function are either unavailable or do not agree on the potential impact of this missense change (SIFT: "Deleterious"; PolyPhen-2: "Possibly Damaging"; Align-GVGD: "Class C15"). In summary, the available evidence is currently insufficient to determine the role of this variant in disease. Therefore, it has been classified as a Variant of Uncertain Significance.

Blueprint Genetics
Classification: Uncertain significance. Last evaluated: 2017-11-30. Review status: criteria provided, single submitter. Criteria: ACMG Guidelines, 2015. Collection method: clinical testing. Allele origin: germline.